The following is an entry in ClinVar:

ClinVar aggregate classification (germline): Uncertain significance (1 of 4 stars; one submission).

Conditions:
Renal cell carcinoma. Identifiers: Orphanet 217071, MedGen C0007134, MeSH D002292, MONDO:0005086, HP:0005584.

Submission:

Labcorp Genetics (formerly Invitae), Labcorp
Classification: Uncertain significance for Renal cell carcinoma. Last evaluated: 2019-02-06. Review status: criteria provided, single submitter. Criteria: Invitae Variant Classification Sherloc (09022015). Collection method: clinical testing. Allele origin: germline.
Comment: Algorithms developed to predict the effect of missense changes on protein structure and function are either unavailable or do not agree on the potential impact of this missense change (SIFT: "Deleterious"; PolyPhen-2: "Probably Damaging"; Align-GVGD: "Class C0"). This variant has not been reported in the literature in individuals with MET-related conditions. This variant is not present in population databases (ExAC no frequency). This sequence change replaces leucine with phenylalanine at codon 262 of the MET protein (p.Leu262Phe). The leucine residue is highly conserved and there is a small physicochemical difference between leucine and phenylalanine. In summary, the available evidence is currently insufficient to determine the role of this variant in disease. Therefore, it has been classified as a Variant of Uncertain Significance.

NM_000245.4(MET):c.786G>C (p.Leu262Phe)

Gene: MET (MET proto-oncogene, receptor tyrosine kinase; plus strand). Cytogenetic location: 7q31.2.
Variant type: single nucleotide variant.
Coding change: c.786G>C on transcript NM_000245.4 (MANE Select); coding-DNA position 786, G replaced by C.
Protein change: p.Leu262Phe; replaces leucine 262 with phenylalanine.
Molecular consequence: missense variant. On other transcripts: intron variant (1).
Genome position (GRCh38, 1-based): chr7:116,699,870, G>C. VCF-style: chr7-116699870-G-C. GRCh37 (hg19) VCF-style: chr7-116339924-G-C.
Other names: c.786G>C, p.Leu262Phe (NM_001127500.3, NM_001324401.3); c.-91+27293G>C (NM_001324402.2); short protein forms L262F.
Identifiers: ClinVar variation 836999 (VCV000836999.9), dbSNP rs1791501952, ClinGen allele CA368969851.